The following is an entry in ClinVar:

ClinVar aggregate classification (germline): Pathogenic (1 of 4 stars; one submission).

Conditions:
Developmental and epileptic encephalopathy, 9 (DEE9). Also called: EPILEPSY, FEMALE-RESTRICTED, WITH MENTAL RETARDATION; JUBERG-HELLMAN SYNDROME; PCDH19-Related X-Linked Female-Limited Epilepsy with Mental Retardation; Early infantile epileptic encephalopathy 9. Identifiers: Orphanet 101039, Orphanet 2076, MedGen C1848137, MONDO:0010246, OMIM 300088. Disease mechanism: loss of function.

Submission:

Labcorp Genetics (formerly Invitae), Labcorp
Classification: Pathogenic for Developmental and epileptic encephalopathy, 9. Last evaluated: 2022-05-17. Review status: criteria provided, single submitter. Criteria: Invitae Variant Classification Sherloc (09022015). Collection method: clinical testing. Allele origin: germline.
Comment: For these reasons, this variant has been classified as Pathogenic. This variant has not been reported in the literature in individuals affected with PCDH19-related conditions. This variant is not present in population databases (gnomAD no frequency). This sequence change creates a premature translational stop signal (p.Val334Serfs*34) in the PCDH19 gene. It is expected to result in an absent or disrupted protein product. Loss-of-function variants in PCDH19 are known to be pathogenic (PMID: 21053371).

Literature cited by the submitters: PubMed 21053371.

NM_001184880.2(PCDH19):c.999del (p.Val334fs)

Gene: PCDH19 (protocadherin 19; minus strand). Cytogenetic location: Xq22.1.
Variant type: Deletion.
Coding change: c.999del on transcript NM_001184880.2 (MANE Select); coding-DNA position 999, one base deleted (C; older notation c.999delC).
Protein change: p.Val334fs; shifts the reading frame from valine 334.
Molecular consequence: frameshift variant.
Genome position (GRCh38, 1-based): chrX:100,407,599, G deleted on the plus strand (C on the coding strand, the reverse complement: PCDH19 is on the minus strand); the first of 2 consecutive G bases (chrX:100,407,599-100,407,600); deleting either gives the same sequence. VCF-style (leftmost placement, unchanged base first): chrX-100407598-CG-C. GRCh37 (hg19) VCF-style: chrX-99662596-CG-C.
Other names: c.999del, p.Val334fs (NM_001105243.2, NM_020766.3); short protein forms V334fs.
Identifiers: ClinVar variation 1994923 (VCV001994923.4), dbSNP rs2520987216, ClinGen allele CA2580100044.